The following is an entry in ClinVar:

ClinVar aggregate classification (germline): Pathogenic (1 of 4 stars; one submission).

Submission:

Labcorp Genetics (formerly Invitae), Labcorp
Classification: Pathogenic. Last evaluated: 2020-11-14. Review status: criteria provided, single submitter. Criteria: Invitae Variant Classification Sherloc (09022015). Collection method: clinical testing. Allele origin: germline.
Comment: For these reasons, this variant has been classified as Pathogenic. This variant has not been reported in the literature in individuals with COL18A1-related conditions. This variant is not present in population databases (ExAC no frequency). This sequence change creates a premature translational stop signal (p.Asp1183Glyfs*49) in the COL18A1 gene. It is expected to result in an absent or disrupted protein product. Loss-of-function variants in COL18A1 are known to be pathogenic (PMID: 12415512, 25456301).

Literature cited by the submitters: PubMed 12415512; PubMed 25456301.

NM_001379500.1(COL18A1):c.3549_3586del (p.Asp1186fs)

Genes: COL18A1 (collagen type XVIII alpha 1 chain; plus strand), SLC19A1 (solute carrier family 19 member 1; minus strand). Cytogenetic location: 21q22.3.
Variant type: Deletion.
Coding change: c.3549_3586del on transcript NM_001379500.1 (MANE Select); coding-DNA positions 3549 to 3586, 38 bases deleted.
Protein change: p.Asp1186fs; shifts the reading frame from aspartic acid 1186.
Molecular consequence: frameshift variant.
Genome position (GRCh38, 1-based): chr21:45,510,117-45,510,154, 38 bases deleted; deleting any 38 consecutive bases within chr21:45,510,114-45,510,154 gives the same sequence; the c. name uses the placement nearest the transcript's 3' end. GRCh37 (hg19): chr21:46,930,031-46,930,068.
Other names: c.4080_4117del, p.Asp1363fs (NM_030582.4); c.4785_4822del, p.Asp1598fs (NM_130444.3); short protein forms D1363fs, D1598fs, D1186fs.
Identifiers: ClinVar variation 1460011 (VCV001460011.6), dbSNP rs1478601531, ClinGen allele CA749792290.